The following is an entry in ClinVar:

ClinVar aggregate classification (germline): Uncertain significance (1 of 4 stars; one submission).

Allele frequency attached by ClinVar (database versions not stated): ExAC 0.00001.
gnomAD v4.1: 4 of 1,613,934 alleles (0.00025%); highest among the groups gnomAD compares: Admixed American, 0.0017%; no homozygotes.

Submission:

Ambry Genetics
Classification: Uncertain significance. Last evaluated: 2021-12-18. Review status: criteria provided, single submitter. Criteria: Ambry Variant Classification Scheme 2023. Collection method: clinical testing. Allele origin: germline.
Comment: The p.R406C variant (also known as c.1216C>T), located in coding exon 12 of the PRKDC gene, results from a C to T substitution at nucleotide position 1216. The arginine at codon 406 is replaced by cysteine, an amino acid with highly dissimilar properties. This amino acid position is conserved. In addition, this alteration is predicted to be tolerated by in silico analysis. Since supporting evidence is limited at this time, the clinical significance of this alteration remains unclear.

NM_006904.7(PRKDC):c.1216C>T (p.Arg406Cys)

Gene: PRKDC (protein kinase, DNA-activated, catalytic subunit; minus strand). Cytogenetic location: 8q11.21.
Variant type: single nucleotide variant.
Coding change: c.1216C>T on transcript NM_006904.7 (MANE Select); coding-DNA position 1216, C replaced by T.
Protein change: p.Arg406Cys; replaces arginine 406 with cysteine.
Molecular consequence: missense variant.
Genome position (GRCh38, 1-based): chr8:47,936,415, G>A on the plus strand (C>T on the coding strand, the complement: PRKDC is on the minus strand). VCF-style: chr8-47936415-G-A. GRCh37 (hg19) VCF-style: chr8-48848975-G-A.
Other names: c.1216C>T, p.Arg406Cys (NM_001081640.2); short protein forms R406C.
Identifiers: ClinVar variation 1751690 (VCV001751690.2), dbSNP rs745764246, ClinGen allele CA4741790.
Genomic context (GRCh38, chr8:47,936,415, plus strand): 5'-TGTCAAGGTACAGCAAGACGCTTGCAACAGACTGGAGGAAGCTTGGCATCTGATAAACAC[G>A]GTCGTCACCAGTGTCTGTCTGGGTGAGGAACATCTGCTTGCAGCGCTGAATGAGCTCAAC-3'
Protein context (NP_008835.5, residues 396-416): FLTQTDTGDD[Arg406Cys]VYQMPSFLQS